The following is an entry in ClinVar:

ClinVar aggregate classification (germline): Benign/Likely benign. Review status: criteria provided, multiple submitters, no conflicts (2 of 4 stars). 3 submissions from 3 submitters: Benign (1); Likely benign (2). Last evaluated 2026-01-28.

Allele frequency attached by ClinVar (database versions not stated): TOPMed 0.00006; gnomAD exomes 0.00009; ExAC 0.00010.
gnomAD v4.1: 89 of 1,613,470 alleles (0.0055%); highest among the groups gnomAD compares: Middle Eastern, 0.054%; 2 homozygotes.

Submissions (3):

Labcorp Genetics (formerly Invitae), Labcorp
Classification: Benign. Last evaluated: 2026-01-28. Review status: criteria provided, single submitter. Criteria: Invitae Variant Classification Sherloc (09022015). Collection method: clinical testing. Allele origin: germline.

CeGaT Center for Human Genetics Tuebingen
Classification: Likely benign. Last evaluated: 2025-09-01. Review status: criteria provided, single submitter. Criteria: CeGaT Center For Human Genetics Tuebingen Variant Classification Criteria Version 2. Collection method: clinical testing. Allele origin: germline. Affected: yes. Observed: 1 variant allele.
Comment: ABCA4: BP4, BP7

Blueprint Genetics
Classification: Likely benign. Last evaluated: 2024-07-29. Review status: criteria provided, single submitter. Criteria: ACMG Guidelines, 2015. Collection method: clinical testing. Allele origin: germline.

NM_000350.3(ABCA4):c.4125G>A (p.Ala1375=)

Gene: ABCA4 (ATP binding cassette subfamily A member 4; minus strand). Cytogenetic location: 1p22.1.
Variant type: single nucleotide variant.
Coding change: c.4125G>A on transcript NM_000350.3 (MANE Select); coding-DNA position 4125, G replaced by A.
Protein change: p.Ala1375=; no amino-acid change (alanine 1375 retained).
Molecular consequence: synonymous variant.
Genome position (GRCh38, 1-based): chr1:94,031,781, C>T on the plus strand (G>A on the coding strand, the complement: ABCA4 is on the minus strand). VCF-style: chr1-94031781-C-T. GRCh37 (hg19) VCF-style: chr1-94497337-C-T.
Other names: c.3903G>A, p.Ala1301= (NM_001425324.1).
Identifiers: ClinVar variation 1584478 (VCV001584478.16), dbSNP rs776180321, ClinGen allele CA957723.